The following is an entry in ClinVar:

NM_000179.3(MSH6):c.1283A>C (p.Lys428Thr)

Gene: MSH6 (mutS homolog 6; plus strand). Cytogenetic location: 2p16.3.
Variant type: single nucleotide variant.
Coding change: c.1283A>C on transcript NM_000179.3 (MANE Select); coding-DNA position 1283, A replaced by C.
Protein change: p.Lys428Thr; replaces lysine 428 with threonine.
Molecular consequence: missense variant.
Genome position (GRCh38, 1-based): chr2:47,799,266, A>C. VCF-style: chr2-47799266-A-C. GRCh37 (hg19) VCF-style: chr2-48026405-A-C.
Other names: c.893A>C, p.Lys298Thr (NM_001281492.2); c.377A>C, p.Lys126Thr (NM_001281493.2, NM_001281494.2, NM_001406811.1 and 6 more transcripts); c.1379A>C, p.Lys460Thr (NM_001406795.1, NM_001406802.1); c.1283A>C, p.Lys428Thr (NM_001406796.1, NM_001406798.1, NM_001406800.1 and 4 more transcripts); c.986A>C, p.Lys329Thr (NM_001406797.1, NM_001406801.1, NM_001406805.1 and 10 more transcripts); c.758A>C, p.Lys253Thr (NM_001406799.1, NM_001406806.1, NM_001406807.1); c.1205A>C, p.Lys402Thr (NM_001406804.1); c.1289A>C, p.Lys430Thr (NM_001406813.1); and 1 more; short protein forms K253T, K298T, K402T, K428T, K372T, K430T, K126T, K329T.
Identifiers: ClinVar variation 1768379 (VCV001768379.5), dbSNP rs1669315424, ClinGen allele CA346744138.

ClinVar aggregate classification (germline): Uncertain significance. Review status: criteria provided, multiple submitters, no conflicts (2 of 4 stars). 2 submissions from 2 submitters: Uncertain significance (2). Last evaluated 2023-11-06.

Conditions:
Hereditary cancer-predisposing syndrome. Also called: Hereditary Cancer Syndrome; Hereditary neoplastic syndrome; Neoplastic Syndromes, Hereditary; Tumor predisposition. Identifiers: Orphanet 140162, MedGen C0027672, MeSH D009386, MONDO:0015356.
Hereditary nonpolyposis colorectal neoplasms. Identifiers: MedGen C0009405, MeSH D003123.

Submissions (2):

Labcorp Genetics (formerly Invitae), Labcorp
Classification: Uncertain significance for Hereditary nonpolyposis colorectal neoplasms. Last evaluated: 2023-11-06. Review status: criteria provided, single submitter. Criteria: Invitae Variant Classification Sherloc (09022015). Collection method: clinical testing. Allele origin: germline.
Comment: This sequence change replaces lysine, which is basic and polar, with threonine, which is neutral and polar, at codon 428 of the MSH6 protein (p.Lys428Thr). This variant is not present in population databases (gnomAD no frequency). This variant has not been reported in the literature in individuals affected with MSH6-related conditions. ClinVar contains an entry for this variant (Variation ID: 1768379). Advanced modeling of protein sequence and biophysical properties (such as structural, functional, and spatial information, amino acid conservation, physicochemical variation, residue mobility, and thermodynamic stability) performed at Invitae indicates that this missense variant is expected to disrupt MSH6 protein function with a positive predictive value of 80%. In summary, the available evidence is currently insufficient to determine the role of this variant in disease. Therefore, it has been classified as a Variant of Uncertain Significance.

Ambry Genetics
Classification: Uncertain significance for Hereditary cancer-predisposing syndrome. Last evaluated: 2021-01-27. Review status: criteria provided, single submitter. Criteria: Ambry Variant Classification Scheme 2023. Collection method: clinical testing. Allele origin: germline.
Comment: The p.K428T variant (also known as c.1283A>C), located in coding exon 4 of the MSH6 gene, results from an A to C substitution at nucleotide position 1283. The lysine at codon 428 is replaced by threonine, an amino acid with similar properties. This amino acid position is highly conserved in available vertebrate species. In addition, this alteration is predicted to be deleterious by in silico analysis. Since supporting evidence is limited at this time, the clinical significance of this alteration remains unclear.